The following is an entry in ClinVar:

ClinVar aggregate classification (germline): Uncertain significance (0 of 4 stars; one submission).

Conditions:
PKHD1L1-related disorder. Also called: PKHD1L1-related condition.

Submission:

PreventionGenetics, part of Exact Sciences
Classification: Uncertain significance for PKHD1L1-related condition. Last evaluated: 2024-08-06. Review status: no assertion criteria provided. Collection method: clinical testing. Allele origin: germline.
Comment: The PKHD1L1 c.4321dupT variant is predicted to result in a frameshift and premature protein termination (p.Ser1441Phefs*11). To our knowledge, this variant has not been reported in the literature. This variant is reported in 0.0058% of alleles in individuals of Latino descent in gnomAD. At this time, the clinical significance of this variant is uncertain due to the absence of conclusive functional and genetic evidence.

NM_177531.6(PKHD1L1):c.4321dup (p.Ser1441fs)

Gene: PKHD1L1 (PKHD1 like 1; plus strand). Cytogenetic location: 8q23.1.
Variant type: Duplication.
Coding change: c.4321dup on transcript NM_177531.6 (MANE Select); coding-DNA position 4321, one base duplicated (T; older notation c.4321dupT).
Protein change: p.Ser1441fs; shifts the reading frame from serine 1441.
Molecular consequence: frameshift variant.
Genome position (GRCh38, 1-based): chr8:109,442,123, T duplicated; the last of 6 consecutive T bases (chr8:109,442,118-109,442,123); duplicating any one gives the same sequence. VCF-style (leftmost placement, unchanged base first): chr8-109442117-A-AT. GRCh37 (hg19) VCF-style: chr8-110454346-A-AT.
Other names: short protein forms S1441fs.
Identifiers: ClinVar variation 3358724 (VCV003358724.1).